The following is an entry in ClinVar:

ClinVar aggregate classification (germline): Uncertain significance (1 of 4 stars; one submission).

Conditions:
Mitochondrial hypertrophic cardiomyopathy with lactic acidosis due to MTO1 deficiency. Also called: Combined oxidative phosphorylation deficiency 10; CARDIOMYOPATHY, INFANTILE HYPERTROPHIC MITOCHONDRIAL, AND LACTIC ACIDOSIS. Identifiers: Orphanet 314637, MedGen C4749921, MONDO:0013865, OMIM 614702.

Submission:

Labcorp Genetics (formerly Invitae), Labcorp
Classification: Uncertain significance for Mitochondrial hypertrophic cardiomyopathy with lactic acidosis due to MTO1 deficiency. Last evaluated: 2022-02-21. Review status: criteria provided, single submitter. Criteria: Invitae Variant Classification Sherloc (09022015). Collection method: clinical testing. Allele origin: germline.
Comment: In summary, the available evidence is currently insufficient to determine the role of this variant in disease. Therefore, it has been classified as a Variant of Uncertain Significance. Algorithms developed to predict the effect of missense changes on protein structure and function are either unavailable or do not agree on the potential impact of this missense change (SIFT: "Deleterious"; PolyPhen-2: "Probably Damaging"; Align-GVGD: "Class C0"). This variant has not been reported in the literature in individuals affected with MTO1-related conditions. This variant is not present in population databases (gnomAD no frequency). This sequence change replaces leucine, which is neutral and non-polar, with methionine, which is neutral and non-polar, at codon 334 of the MTO1 protein (p.Leu334Met).

NM_012123.4(MTO1):c.1000T>A (p.Leu334Met)

Gene: MTO1 (mitochondrial tRNA translation optimization 1; plus strand). Cytogenetic location: 6q13.
Variant type: single nucleotide variant.
Coding change: c.1000T>A on transcript NM_012123.4 (MANE Select); coding-DNA position 1000, T replaced by A.
Protein change: p.Leu334Met; replaces leucine 334 with methionine.
Molecular consequence: missense variant.
Genome position (GRCh38, 1-based): chr6:73,479,997, T>A. VCF-style: chr6-73479997-T-A. GRCh37 (hg19) VCF-style: chr6-74189720-T-A.
Other names: c.1000T>A, p.Leu334Met (NM_001123226.2, NM_133645.3); short protein forms L334M.
Identifiers: ClinVar variation 2101360 (VCV002101360.4), dbSNP rs2533279361, ClinGen allele CA364714693.